The following is an entry in ClinVar:

NM_002500.5(NEUROD1):c.611C>T (p.Pro204Leu)

Gene: NEUROD1 (neuronal differentiation 1; minus strand). Cytogenetic location: 2q31.3.
Variant type: single nucleotide variant.
Coding change: c.611C>T on transcript NM_002500.5 (MANE Select); coding-DNA position 611, C replaced by T.
Protein change: p.Pro204Leu; replaces proline 204 with leucine.
Molecular consequence: missense variant.
Genome position (GRCh38, 1-based): chr2:181,678,250, G>A on the plus strand (C>T on the coding strand, the complement: NEUROD1 is on the minus strand). VCF-style: chr2-181678250-G-A. GRCh37 (hg19) VCF-style: chr2-182542977-G-A.
Other names: short protein forms P204L.
Identifiers: ClinVar variation 3044126 (VCV003044126.2), dbSNP rs764837612, ClinGen allele CA349783826.

ClinVar aggregate classification (germline): Uncertain significance (0 of 4 stars; one submission).

Conditions:
NEUROD1-related disorder. Also called: NEUROD1-related condition.

gnomAD v4.1: 1 of 1,614,152 alleles (0.000062%); highest among the groups gnomAD compares: Non-Finnish European, 0.000085%; no homozygotes.

Submission:

PreventionGenetics, part of Exact Sciences
Classification: Uncertain significance for NEUROD1-related condition. Last evaluated: 2023-11-11. Review status: no assertion criteria provided. Collection method: clinical testing. Allele origin: germline.
Comment: The NEUROD1 c.611C>T variant is predicted to result in the amino acid substitution p.Pro204Leu. To our knowledge, this variant has not been reported in the literature. This variant is reported in 0.00088% of alleles in individuals of European (Non-Finnish) descent in gnomAD. At this time, the clinical significance of this variant is uncertain due to the absence of conclusive functional and genetic evidence.